The following is an entry in ClinVar:

NM_001042492.3(NF1):c.3407G>T (p.Arg1136Leu)

Gene: NF1 (neurofibromin 1; plus strand). Cytogenetic location: 17q11.2.
Variant type: single nucleotide variant.
Coding change: c.3407G>T on transcript NM_001042492.3 (MANE Select); coding-DNA position 3407, G replaced by T.
Protein change: p.Arg1136Leu; replaces arginine 1136 with leucine.
Molecular consequence: missense variant.
Genome position (GRCh38, 1-based): chr17:31,232,792, G>T. VCF-style: chr17-31232792-G-T. GRCh37 (hg19) VCF-style: chr17-29559810-G-T.
Other names: c.3407G>T, p.Arg1136Leu (NM_000267.4); short protein forms R1136L.
Identifiers: ClinVar variation 3671356 (VCV003671356.2).

ClinVar aggregate classification (germline): Uncertain significance (1 of 4 stars; one submission).

Conditions:
Neurofibromatosis, type 1 (NF1). Also called: VON RECKLINGHAUSEN DISEASE; NEUROFIBROMATOSIS, TYPE I, SOMATIC; Neurofibromatosis, type I; Peripheral type neurofibromatosis. Identifiers: Orphanet 636, MedGen C0027831, MONDO:0018975, OMIM 162200. Disease mechanism: loss of function.

Submission:

Labcorp Genetics (formerly Invitae), Labcorp
Classification: Uncertain significance for Neurofibromatosis, type 1. Last evaluated: 2024-02-12. Review status: criteria provided, single submitter. Criteria: Invitae Variant Classification Sherloc (09022015). Collection method: clinical testing. Allele origin: germline.
Comment: This sequence change replaces arginine, which is basic and polar, with leucine, which is neutral and non-polar, at codon 1136 of the NF1 protein (p.Arg1136Leu). This variant is not present in population databases (gnomAD no frequency). This variant has not been reported in the literature in individuals affected with NF1-related conditions. Advanced modeling of protein sequence and biophysical properties (such as structural, functional, and spatial information, amino acid conservation, physicochemical variation, residue mobility, and thermodynamic stability) has been performed at Invitae for this missense variant, however the output from this modeling did not meet the statistical confidence thresholds required to predict the impact of this variant on NF1 protein function. Algorithms developed to predict the effect of sequence changes on RNA splicing suggest that this variant may disrupt the consensus splice site. In summary, the available evidence is currently insufficient to determine the role of this variant in disease. Therefore, it has been classified as a Variant of Uncertain Significance.